The following is an entry in ClinVar:

NM_182493.3(MYLK3):c.923C>A (p.Pro308His)

Gene: MYLK3 (myosin light chain kinase 3; minus strand). Cytogenetic location: 16q11.2.
Variant type: single nucleotide variant.
Coding change: c.923C>A on transcript NM_182493.3 (MANE Select); coding-DNA position 923, C replaced by A.
Protein change: p.Pro308His; replaces proline 308 with histidine.
Molecular consequence: missense variant. On other transcripts: intron variant (1).
Genome position (GRCh38, 1-based): chr16:46,737,789, G>T on the plus strand (C>A on the coding strand, the complement: MYLK3 is on the minus strand). VCF-style: chr16-46737789-G-T. GRCh37 (hg19) VCF-style: chr16-46771701-G-T.
Other names: c.-23+2268C>A (NM_001308301.1); short protein forms P308H.
Identifiers: ClinVar variation 3695030 (VCV003695030.2).

ClinVar aggregate classification (germline): Uncertain significance (1 of 4 stars; one submission).

Submission:

Labcorp Genetics (formerly Invitae), Labcorp
Classification: Uncertain significance. Last evaluated: 2024-09-06. Review status: criteria provided, single submitter. Criteria: Invitae Variant Classification Sherloc (09022015). Collection method: clinical testing. Allele origin: germline.
Comment: This sequence change replaces proline, which is neutral and non-polar, with histidine, which is basic and polar, at codon 308 of the MYLK3 protein (p.Pro308His). This variant is not present in population databases (gnomAD no frequency). This variant has not been reported in the literature in individuals affected with MYLK3-related conditions. An algorithm developed to predict the effect of missense changes on protein structure and function (PolyPhen-2) suggests that this variant is likely to be disruptive. In summary, the available evidence is currently insufficient to determine the role of this variant in disease. Therefore, it has been classified as a Variant of Uncertain Significance.